The following is an entry in ClinVar:

ClinVar aggregate classification (germline): Uncertain significance (1 of 4 stars; one submission).

Conditions:
Cardiovascular phenotype. Identifiers: MedGen CN230736.

Submission:

Ambry Genetics
Classification: Uncertain significance for Cardiovascular phenotype. Last evaluated: 2025-04-14. Review status: criteria provided, single submitter. Criteria: Ambry Variant Classification Scheme 2023. Collection method: clinical testing. Allele origin: germline.
Comment: The p.R164G variant (also known as c.490C>G), located in coding exon 1 of the FOXE3 gene, results from a C to G substitution at nucleotide position 490. The arginine at codon 164 is replaced by glycine, an amino acid with dissimilar properties. This amino acid position is conserved. In addition, the in silico prediction for this alteration is inconclusive. Based on the available evidence, the clinical significance of this variant remains unclear.

NM_012186.3(FOXE3):c.490C>G (p.Arg164Gly)

Genes: FOXE3 (forkhead box E3; plus strand), LINC01389 (long intergenic non-protein coding RNA 1389; minus strand). Cytogenetic location: 1p33.
Variant type: single nucleotide variant.
Coding change: c.490C>G on transcript NM_012186.3 (MANE Select); coding-DNA position 490, C replaced by G.
Protein change: p.Arg164Gly; replaces arginine 164 with glycine.
Molecular consequence: missense variant.
Genome position (GRCh38, 1-based): chr1:47,416,805, C>G. VCF-style: chr1-47416805-C-G. GRCh37 (hg19) VCF-style: chr1-47882477-C-G.
Other names: short protein forms R164G.
Identifiers: ClinVar variation 4026306 (VCV004026306.1).